The following is an entry in ClinVar:

NM_001283009.2(RTEL1):c.2025+10A>T

Genes: RTEL1 (regulator of telomere elongation helicase 1; plus strand), RTEL1-TNFRSF6B (RTEL1-TNFRSF6B readthrough (NMD candidate); plus strand). Cytogenetic location: 20q13.33.
Variant type: single nucleotide variant.
Coding change: c.2025+10A>T on transcript NM_001283009.2 (MANE Select); 10 bases into the intron after coding-DNA position 2025, A replaced by T.
Molecular consequence: intron variant.
Genome position (GRCh38, 1-based): chr20:63,689,658, A>T. VCF-style: chr20-63689658-A-T. GRCh37 (hg19) VCF-style: chr20-62321011-A-T.
Other names: c.2097+10A>T (NM_032957.4, NM_032957.5); c.1356+10A>T (NM_001283010.1); c.2025+10A>T (NM_016434.4).
Identifiers: ClinVar variation 1122113 (VCV001122113.11), dbSNP rs770832240, ClinGen allele CA9965108.

ClinVar aggregate classification (germline): Likely benign. Review status: criteria provided, single submitter (1 of 4 stars). 2 submissions from 2 submitters: Likely benign (1). 1 of the submissions does not count toward it. Last evaluated 2025-04-02.

Conditions:
RTEL1-related disorder. Also called: RTEL1-related disorders; RTEL1-related condition.
Pulmonary fibrosis and/or bone marrow failure, Telomere-related, 3. Also called: PULMONARY FIBROSIS AND/OR BONE MARROW FAILURE SYNDROME, TELOMERE-RELATED, 3. Identifiers: Orphanet 2032, MedGen C4225346, MONDO:0014613, OMIM 616373.
Dyskeratosis congenita, autosomal recessive 5 (DKCB5). Identifiers: MedGen C3554656, MONDO:0014076, OMIM 615190.

Allele frequency attached by ClinVar (database versions not stated): gnomAD exomes below 0.00001 and 0.00002; ExAC 0.00002; gnomAD 0.00004 and 0.00005; TOPMed 0.00009.
gnomAD v4.1: 7 of 1,609,676 alleles (0.00043%); highest among the groups gnomAD compares: African/African-American, 0.0094%; no homozygotes.

Submissions (2):

Labcorp Genetics (formerly Invitae), Labcorp
Classification: Likely benign for Dyskeratosis congenita, autosomal recessive 5; Pulmonary fibrosis and/or bone marrow failure, Telomere-related, 3. Last evaluated: 2025-04-02. Review status: criteria provided, single submitter. Criteria: Invitae Variant Classification Sherloc (09022015). Collection method: clinical testing. Allele origin: germline.

PreventionGenetics, part of Exact Sciences
Classification: Likely benign for RTEL1-related condition. Last evaluated: 2022-11-10. Review status: no assertion criteria provided. Collection method: clinical testing. Allele origin: germline. Not counted in ClinVar's aggregate classification.
Comment: This variant is classified as likely benign based on ACMG/AMP sequence variant interpretation guidelines (Richards et al. 2015 PMID: 25741868, with internal and published modifications).